The following is an entry in ClinVar:

NM_032217.5(ANKRD17):c.6588A>G (p.Gln2196=)

Gene: ANKRD17 (ankyrin repeat domain 17; minus strand). Cytogenetic location: 4q13.3.
Variant type: single nucleotide variant.
Coding change: c.6588A>G on transcript NM_032217.5 (MANE Select); coding-DNA position 6588, A replaced by G.
Protein change: p.Gln2196=; no amino-acid change (glutamine 2196 retained).
Molecular consequence: synonymous variant.
Genome position (GRCh38, 1-based): chr4:73,091,040, T>C on the plus strand (A>G on the coding strand, the complement: ANKRD17 is on the minus strand). VCF-style: chr4-73091040-T-C. GRCh37 (hg19) VCF-style: chr4-73956757-T-C.
Other names: c.6249A>G, p.Gln2083= (NM_001286771.3); c.6585A>G, p.Gln2195= (NM_015574.2); c.5835A>G, p.Gln1945= (NM_198889.3).
Identifiers: ClinVar variation 4821087 (VCV004821087.4).

ClinVar aggregate classification (germline): Benign (1 of 4 stars; one submission).

gnomAD v4.1: 2,247 of 1,614,204 alleles (0.14%); highest among the groups gnomAD compares: South Asian, 1.1%; 16 homozygotes.

Submission:

CeGaT Center for Human Genetics Tuebingen
Classification: Benign. Last evaluated: 2026-07-01. Review status: criteria provided, single submitter. Criteria: CeGaT Center For Human Genetics Tuebingen Variant Classification Criteria Version 2. Collection method: clinical testing. Allele origin: germline. Affected: yes. Observed: 3 variant alleles.
Comment: ANKRD17: BP4, BP7, BS1, BS2